The following is an entry in ClinVar:

ClinVar aggregate classification (germline): Uncertain significance (1 of 4 stars; one submission).

Conditions:
Epilepsy, familial focal, with variable foci 3 (FFEVF3). Identifiers: MedGen C4310708, MONDO:0014925, OMIM 617118.

Submission:

Labcorp Genetics (formerly Invitae), Labcorp
Classification: Uncertain significance for Epilepsy, familial focal, with variable foci 3. Last evaluated: 2020-01-27. Review status: criteria provided, single submitter. Criteria: Invitae Variant Classification Sherloc (09022015). Collection method: clinical testing. Allele origin: germline.
Comment: In summary, the available evidence is currently insufficient to determine the role of this variant in disease. Therefore, it has been classified as a Variant of Uncertain Significance. Experimental studies and prediction algorithms are not available or were not evaluated, and the functional significance of this variant is currently unknown. This variant has not been reported in the literature in individuals with NPRL3-related conditions. This variant is not present in population databases (ExAC no frequency). This sequence change replaces proline with arginine at codon 383 of the NPRL3 protein (p.Pro383Arg). The proline residue is moderately conserved and there is a moderate physicochemical difference between proline and arginine.

NM_001077350.3(NPRL3):c.1148C>G (p.Pro383Arg)

Genes: HBA-LCR (alpha-globin locus control region; plus strand), NPRL3 (NPR3 like, GATOR1 complex subunit; minus strand). Cytogenetic location: 16p13.3.
Variant type: single nucleotide variant.
Coding change: c.1148C>G on transcript NM_001077350.3 (MANE Select); coding-DNA position 1148, C replaced by G.
Protein change: p.Pro383Arg; replaces proline 383 with arginine.
Molecular consequence: missense variant.
Genome position (GRCh38, 1-based): chr16:92,609, G>C on the plus strand (C>G on the coding strand, the complement: NPRL3 is on the minus strand). VCF-style: chr16-92609-G-C. GRCh37 (hg19) VCF-style: chr16-142607-G-C.
Other names: c.611C>G, p.Pro204Arg (NM_001039476.3); c.914C>G, p.Pro305Arg (NM_001243247.2); c.1073C>G, p.Pro358Arg (NM_001243248.2, NM_001243249.2); short protein forms P204R, P305R, P383R, P358R.
Identifiers: ClinVar variation 1042431 (VCV001042431.7), dbSNP rs1898807635, ClinGen allele CA394052860.
Genomic context (GRCh38, chr16:92,609, plus strand): 5'-CCACTACACACCTGCCACTCTGGGCTCCTTGAGCTTCTGTGACTCACCTCCTGCACAGCG[G>C]GGGCCAGGGGATTCCTAAATTCTGACAAGGAGACCGGCAAGGAGAACTTGGCAAGAACGG-3'
Protein context (NP_001070818.1, residues 373-393): SLSEFRNPLA[Pro383Arg]AVQETQLIQM